The following is an entry in ClinVar:

ClinVar aggregate classification (germline): Uncertain significance (1 of 4 stars; one submission).

Submission:

Labcorp Genetics (formerly Invitae), Labcorp
Classification: Uncertain significance. Last evaluated: 2025-12-18. Review status: criteria provided, single submitter. Criteria: Invitae Variant Classification Sherloc (09022015). Collection method: clinical testing. Allele origin: germline.
Comment: This sequence change replaces valine, which is neutral and non-polar, with phenylalanine, which is neutral and non-polar, at codon 386 of the MMP13 protein (p.Val386Phe). This variant is not present in population databases (gnomAD no frequency). This variant has not been reported in the literature in individuals affected with MMP13-related conditions. Invitae Evidence Modeling of protein sequence and biophysical properties (such as structural, functional, and spatial information, amino acid conservation, physicochemical variation, residue mobility, and thermodynamic stability) indicates that this missense variant is not expected to disrupt MMP13 protein function with a negative predictive value of 80%. In summary, the available evidence is currently insufficient to determine the role of this variant in disease. Therefore, it has been classified as a Variant of Uncertain Significance.

NM_002427.4(MMP13):c.1156G>T (p.Val386Phe)

Gene: MMP13 (matrix metallopeptidase 13; minus strand). Cytogenetic location: 11q22.2.
Variant type: single nucleotide variant.
Coding change: c.1156G>T on transcript NM_002427.4 (MANE Select); coding-DNA position 1156, G replaced by T.
Protein change: p.Val386Phe; replaces valine 386 with phenylalanine.
Molecular consequence: missense variant.
Genome position (GRCh38, 1-based): chr11:102,947,946, C>A on the plus strand (G>T on the coding strand, the complement: MMP13 is on the minus strand). VCF-style: chr11-102947946-C-A. GRCh37 (hg19) VCF-style: chr11-102818675-C-A.
Other names: short protein forms V386F.
Identifiers: ClinVar variation 4737031 (VCV004737031.1).